The following is an entry in ClinVar:

ClinVar aggregate classification (germline): Likely benign. Review status: criteria provided, multiple submitters, no conflicts (2 of 4 stars). 2 submissions from 2 submitters: Likely benign (2). Last evaluated 2026-01-05.

Conditions:
3-methylglutaconic aciduria, type VIIB (MGCA7B). Also called: CLPB Deficiency; 3-methylglutaconic aciduria with cataracts, neurologic involvement and neutropenia; 3-methylglutaconic aciduria, type VII, with cataracts, neurologic involvement and neutropenia. Identifiers: Orphanet 445038, MedGen C5676893, MONDO:0014561, OMIM 616271.

Allele frequency attached by ClinVar (database versions not stated): gnomAD 0.00009; 1000 Genomes Project 30x 0.00016; 1000 Genomes Project 0.00020; ExAC 0.00003; TOPMed 0.00007.
gnomAD v4.1: 26 of 1,600,882 alleles (0.0016%); highest among the groups gnomAD compares: African/African-American, 0.035%; no homozygotes.

Submissions (2):

Labcorp Genetics (formerly Invitae), Labcorp
Classification: Likely benign for 3-methylglutaconic aciduria, type VIIB. Last evaluated: 2026-01-05. Review status: criteria provided, single submitter. Criteria: Invitae Variant Classification Sherloc (09022015). Collection method: clinical testing. Allele origin: germline.

Mayo Clinic Laboratories, Mayo Clinic
Classification: Likely benign. Last evaluated: 2025-02-25. Review status: criteria provided, single submitter. Criteria: ACMG Guidelines, 2015. Collection method: clinical testing. Allele origin: germline. Observed: 1 variant allele.
Comment: BP4, BP7

NM_001258392.3(CLPB):c.874-7C>G

Gene: CLPB (ClpB family mitochondrial disaggregase; minus strand). Cytogenetic location: 11q13.4.
Variant type: single nucleotide variant.
Coding change: c.874-7C>G on transcript NM_001258392.3 (MANE Select); 7 bases into the intron before coding-DNA position 874, C replaced by G.
Molecular consequence: intron variant.
Genome position (GRCh38, 1-based): chr11:72,317,227, G>C on the plus strand (C>G on the coding strand, the complement: CLPB is on the minus strand). VCF-style: chr11-72317227-G-C. GRCh37 (hg19) VCF-style: chr11-72028271-G-C.
Other names: p.?; c.787-7C>G (NM_001258393.3); c.964-7C>G (NM_030813.6); c.829-7C>G (NM_001258394.3).
Identifiers: ClinVar variation 1987701 (VCV001987701.5), dbSNP rs190508223, ClinGen allele CA6171341.